The following is an entry in ClinVar:

ClinVar aggregate classification (germline): Likely benign. Review status: criteria provided, multiple submitters, no conflicts (2 of 4 stars). 3 submissions from 3 submitters: Likely benign (3). Last evaluated 2026-08-01.

Allele frequency attached by ClinVar (database versions not stated): ExAC 0.00006; gnomAD exomes 0.00006 and 0.00008; ESP Exome Variant Server 0.00008; TOPMed 0.00010; gnomAD 0.00014.
gnomAD v4.1: 105 of 1,610,514 alleles (0.0065%); highest among the groups gnomAD compares: Middle Eastern, 0.033%; no homozygotes.

Submissions (3):

CeGaT Center for Human Genetics Tuebingen
Classification: Likely benign. Last evaluated: 2026-08-01. Review status: criteria provided, single submitter. Criteria: CeGaT Center For Human Genetics Tuebingen Variant Classification Criteria Version 2. Collection method: clinical testing. Allele origin: germline. Affected: yes. Observed: 1 variant allele.
Comment: DCHS1: BP4, BP7

Labcorp Genetics (formerly Invitae), Labcorp
Classification: Likely benign. Last evaluated: 2025-11-27. Review status: criteria provided, single submitter. Criteria: Invitae Variant Classification Sherloc (09022015). Collection method: clinical testing. Allele origin: germline.

Breakthrough Genomics
Classification: Likely benign. Review status: criteria provided, single submitter. Criteria: ACMG Guidelines, 2015. Collection method: not provided. Allele origin: germline. Inheritance: Autosomal recessive inheritance. Affected: yes.

NM_003737.4(DCHS1):c.5619G>A (p.Leu1873=)

Gene: DCHS1 (dachsous cadherin-related 1; minus strand). Cytogenetic location: 11p15.4.
Variant type: single nucleotide variant.
Coding change: c.5619G>A on transcript NM_003737.4 (MANE Select); coding-DNA position 5619, G replaced by A.
Protein change: p.Leu1873=; no amino-acid change (leucine 1873 retained).
Molecular consequence: synonymous variant.
Genome position (GRCh38, 1-based): chr11:6,627,420, C>T on the plus strand (G>A on the coding strand, the complement: DCHS1 is on the minus strand). VCF-style: chr11-6627420-C-T. GRCh37 (hg19) VCF-style: chr11-6648651-C-T.
Identifiers: ClinVar variation 724760 (VCV000724760.10), dbSNP rs370648026, ClinGen allele CA5860052.